The following is an entry in ClinVar:

ClinVar aggregate classification (germline): Uncertain significance (1 of 4 stars; one submission).

Allele frequency attached by ClinVar (database versions not stated): gnomAD exomes below 0.00001.

Submission:

Labcorp Genetics (formerly Invitae), Labcorp
Classification: Uncertain significance. Last evaluated: 2022-06-04. Review status: criteria provided, single submitter. Criteria: Invitae Variant Classification Sherloc (09022015). Collection method: clinical testing. Allele origin: germline.
Comment: This sequence change replaces isoleucine, which is neutral and non-polar, with asparagine, which is neutral and polar, at codon 1003 of the RBP3 protein (p.Ile1003Asn). This variant is not present in population databases (gnomAD no frequency). This variant has not been reported in the literature in individuals affected with RBP3-related conditions. ClinVar contains an entry for this variant (Variation ID: 1426257). Algorithms developed to predict the effect of missense changes on protein structure and function are either unavailable or do not agree on the potential impact of this missense change (SIFT: "Deleterious"; PolyPhen-2: "Benign"; Align-GVGD: "Class C0"). In summary, the available evidence is currently insufficient to determine the role of this variant in disease. Therefore, it has been classified as a Variant of Uncertain Significance.

NM_002900.3(RBP3):c.3008T>A (p.Ile1003Asn)

Gene: RBP3 (retinol binding protein 3; plus strand). Cytogenetic location: 10q11.22.
Variant type: single nucleotide variant.
Coding change: c.3008T>A on transcript NM_002900.3 (MANE Select); coding-DNA position 3008, T replaced by A.
Protein change: p.Ile1003Asn; replaces isoleucine 1003 with asparagine.
Molecular consequence: missense variant.
Genome position (GRCh38, 1-based): chr10:47,351,492, T>A. VCF-style: chr10-47351492-T-A. GRCh37 (hg19) VCF-style: chr10-48387870-A-T.
Other names: short protein forms I1003N.
Identifiers: ClinVar variation 1426257 (VCV001426257.3), dbSNP rs1565767214, ClinGen allele CA376676047.
Genomic context (GRCh38, chr10:47,351,492, plus strand): 5'-AGATCCTGGGGGCTGACCTGCAGATGCTCTCCGGAGACCCACACCTGAAGGCAGCCCATA[T>A]CCCTGAGAATGCCAAGGACCGCATTCCTGGAATTGTGCCCATGCAGGTGAGACCCAAGAG-3'
Protein context (NP_002891.1, residues 993-1013): SGDPHLKAAH[Ile1003Asn]PENAKDRIPG